The following is an entry in ClinVar:

ClinVar aggregate classification (germline): Conflicting classifications of pathogenicity. Review status: criteria provided, conflicting classifications (1 of 4 stars). 4 submissions from 4 submitters: Likely pathogenic (1); Uncertain significance (3). Last evaluated 2023-02-13.
ClinVar aggregate classification (somatic clinical impact): Tier I - Strong (1 of 4 stars; one submission).

Conditions:
CBL-related disorder. Also called: NOONAN SYNDROME-LIKE DISORDER WITHOUT JUVENILE MYELOMONOCYTIC LEUKEMIA; CBL MUTATION-ASSOCIATED SYNDROME; CBL SYNDROME. Identifiers: Orphanet 363972, MedGen C3150803, MONDO:0013308, OMIM 613563.
RASopathy. Also called: Noonan spectrum disorder; rasopathies. Identifiers: Orphanet 536391, MedGen C5555857, MONDO:0021060.
Central nervous system germ cell tumor. Identifiers: MedGen C1332880, MONDO:0003000.

gnomAD v4.1: 2 of 1,613,954 alleles (0.00012%); highest among the groups gnomAD compares: Non-Finnish European, 0.00017%; no homozygotes.

Submissions (5):

Institute for Genomic Medicine (IGM) Clinical Laboratory, Nationwide Children's Hospital
Classification: Tier I - Strong for Central nervous system germ cell tumor. Assertion type: diagnostic. Clinical significance: supports diagnosis. Last evaluated: 2024-08-02. Review status: criteria provided, single submitter. Criteria: AMP/ASCO/CAP Guidelines, 2017. Collection method: clinical testing. Allele origin: somatic. Affected: yes.
Comment: Variant has Tier I (strong) clinical significance as a diagnostic inclusion criterion in central nervous system germ cell tumor, based on the following evidence: 1) Documented in one or more cancer databases (e.g., St. Jude Pecan, COSMIC, CIViC, OncoKB). 2) Appears in one or more well-established professional guidelines (e.g., World Health Organization [WHO]; National Comprehensive Cancer Network [NCCN]) as providing diagnostic, prognostic, or therapeutic information. 3) Information in the literature supports potential biologic effect of variant (PMIDs: 26676746, 19387008). 4) Diagnostic for a specific tumor type/classification based on well-powered studies with expert-level consensus (Evidence Level B; PMIDs: 24896186, 26956871, 27391150, 38430549, 31420671).

Women's Health and Genetics/Laboratory Corporation of America, LabCorp
Classification: Uncertain significance. Last evaluated: 2023-02-13. Review status: criteria provided, single submitter. Criteria: LabCorp Variant Classification Summary - May 2015. Collection method: clinical testing. Allele origin: germline.
Comment: Variant summary: CBL c.1193A>G (p.His398Arg) results in a non-conservative amino acid change located in the zinc finger, RING-type domain (IPR001841) of the encoded protein sequence. Five of five in-silico tools predict a damaging effect of the variant on protein function. The variant was absent in 251370 control chromosomes (gnomAD). The available data on variant occurrences in the general population are insufficient to allow any conclusion about variant significance. c.1193A>G has been reported in the literature in an individual affected with juvenile myelomonocytic leukemia (e.g. Niemeyer_2010). This report does not provide unequivocal conclusions about association of the variant with acute myeloid leukemia or Noonan syndrome and related disorders. To our knowledge, no experimental evidence demonstrating an impact on protein function has been reported. Two clinical diagnostic laboratories have submitted clinical-significance assessments for this variant to ClinVar after 2014. One laboratory classified the variant as likely pathogenic, and one laboratory classified the variant as uncertain significance. Based on the evidence outlined above, the variant was classified as uncertain significance.

GeneDx
Classification: Uncertain significance. Last evaluated: 2022-06-30. Review status: criteria provided, single submitter. Criteria: GeneDx Variant Classification Process June 2021. Collection method: clinical testing. Allele origin: germline. Affected: yes.
Comment: Identified in patients with juvenile myelomonocytic leukemia and myeloproliferative disorder (Schnittger et al., 2012; Niemeyer et al., 2010); Not observed at significant frequency in large population cohorts (gnomAD); In silico analysis supports that this missense variant has a deleterious effect on protein structure/function; This variant is associated with the following publications: (PMID: 20619386, 22315494, 20694012, 22733026, 25952305)

Labcorp Genetics (formerly Invitae), Labcorp
Classification: Likely pathogenic for RASopathy. Last evaluated: 2022-05-17. Review status: criteria provided, single submitter. Criteria: Invitae Variant Classification Sherloc (09022015). Collection method: clinical testing. Allele origin: germline.
Comment: This sequence change replaces histidine, which is basic and polar, with arginine, which is basic and polar, at codon 398 of the CBL protein (p.His398Arg). This variant is not present in population databases (gnomAD no frequency). This missense change has been observed in individual(s) with clinical features of CBL-related conditions (Invitae). In at least one individual the variant was observed to be de novo. Advanced modeling of protein sequence and biophysical properties (such as structural, functional, and spatial information, amino acid conservation, physicochemical variation, residue mobility, and thermodynamic stability) performed at Invitae indicates that this missense variant is expected to disrupt CBL protein function. In summary, the currently available evidence indicates that the variant is pathogenic, but additional data are needed to prove that conclusively. Therefore, this variant has been classified as Likely Pathogenic.

Neuberg Centre For Genomic Medicine, NCGM
Classification: Uncertain significance for CBL-related disorder. Review status: criteria provided, single submitter. Criteria: ACMG Guidelines, 2015. Collection method: clinical testing. Allele origin: germline. Inheritance: Autosomal dominant inheritance. Affected: yes.
Comment: The missense variant p.H398R in CBL (NM_005188.4) has not been reported previously as a pathogenic variant nor as a benign variant, to our knowledge. The p.H398R variant is novel (not in any individuals) in gnomAD Exomes and is novel (not in any individuals) in 1000 Genomes. The p.H398R missense variant is predicted to be damaging by both SIFT and PolyPhen2. The histidine residue at codon 398 of CBL is conserved in all mammalian species. The nucleotide c.1193 in CBL is predicted conserved by GERP++ and PhyloP across 100 vertebrates. For these reasons, this variant has been classified as Uncertain Significance.

Literature cited by the submitters: PubMed 26676746 (cited by Institute for Genomic Medicine (IGM) Clinical Laboratory, Nationwide Children's Hospital); PubMed 19387008 (cited by Institute for Genomic Medicine (IGM) Clinical Laboratory, Nationwide Children's Hospital and Women's Health and Genetics/Laboratory Corporation of America, LabCorp); PubMed 24896186 (cited by Institute for Genomic Medicine (IGM) Clinical Laboratory, Nationwide Children's Hospital); PubMed 26956871 (cited by Institute for Genomic Medicine (IGM) Clinical Laboratory, Nationwide Children's Hospital); PubMed 27391150 (cited by Institute for Genomic Medicine (IGM) Clinical Laboratory, Nationwide Children's Hospital); PubMed 38430549 (cited by Institute for Genomic Medicine (IGM) Clinical Laboratory, Nationwide Children's Hospital); PubMed 31420671 (cited by Institute for Genomic Medicine (IGM) Clinical Laboratory, Nationwide Children's Hospital); PubMed 25224413 (cited by Women's Health and Genetics/Laboratory Corporation of America, LabCorp); PubMed 21828135 (cited by Women's Health and Genetics/Laboratory Corporation of America, LabCorp); PubMed 23690417 (cited by Women's Health and Genetics/Laboratory Corporation of America, LabCorp); PubMed 19901108 (cited by Women's Health and Genetics/Laboratory Corporation of America, LabCorp); PubMed 20951944 (cited by Women's Health and Genetics/Laboratory Corporation of America, LabCorp); PubMed 19620960 (cited by Women's Health and Genetics/Laboratory Corporation of America, LabCorp); PubMed 22733026 (cited by Women's Health and Genetics/Laboratory Corporation of America, LabCorp); PubMed 29296819 (cited by Women's Health and Genetics/Laboratory Corporation of America, LabCorp); PubMed 20694012 (cited by Women's Health and Genetics/Laboratory Corporation of America, LabCorp); PubMed 20619386 (cited by Women's Health and Genetics/Laboratory Corporation of America, LabCorp); PubMed 23010802 (cited by Women's Health and Genetics/Laboratory Corporation of America, LabCorp); PubMed 27069254 (cited by Women's Health and Genetics/Laboratory Corporation of America, LabCorp).

NM_005188.4(CBL):c.1193A>G (p.His398Arg)

Gene: CBL (Cbl proto-oncogene; plus strand). Cytogenetic location: 11q23.3.
Variant type: single nucleotide variant.
Coding change: c.1193A>G on transcript NM_005188.4 (MANE Select); coding-DNA position 1193, A replaced by G.
Protein change: p.His398Arg; replaces histidine 398 with arginine.
Molecular consequence: missense variant.
Genome position (GRCh38, 1-based): chr11:119,278,263, A>G. VCF-style: chr11-119278263-A-G. GRCh37 (hg19) VCF-style: chr11-119148973-A-G.
Other names: c.1193A>G (NM_005188.3); short protein forms H398R.
Identifiers: ClinVar variation 1352881 (VCV001352881.10), dbSNP rs1303812580, ClinGen allele CA382912755.